The following is an entry in ClinVar:

ClinVar aggregate classification (germline): Uncertain significance. Review status: criteria provided, multiple submitters, no conflicts (2 of 4 stars). 2 submissions from 2 submitters: Uncertain significance (2). Last evaluated 2024-10-24.

Conditions:
Hereditary cancer-predisposing syndrome. Also called: Neoplastic Syndromes, Hereditary; Hereditary neoplastic syndrome; Tumor predisposition; Hereditary Cancer Syndrome. Identifiers: Orphanet 140162, MedGen C0027672, MeSH D009386, MONDO:0015356.
Gorlin syndrome. Also called: Nevoid Basal Cell Carcinoma Syndrome; Basal cell nevus syndrome. Identifiers: Orphanet 377, MedGen C0004779, MONDO:0007187.

Submissions (2):

Ambry Genetics
Classification: Uncertain significance for Hereditary cancer-predisposing syndrome. Last evaluated: 2024-10-24. Review status: criteria provided, single submitter. Criteria: Ambry Variant Classification Scheme 2023. Collection method: clinical testing. Allele origin: germline.
Comment: The p.K67T variant (also known as c.200A>C), located in coding exon 1 of the PTCH1 gene, results from an A to C substitution at nucleotide position 200. The lysine at codon 67 is replaced by threonine, an amino acid with similar properties. This amino acid position is conserved. In addition, the in silico prediction for this alteration is inconclusive. Based on the available evidence, the clinical significance of this variant remains unclear.

Labcorp Genetics (formerly Invitae), Labcorp
Classification: Uncertain significance for Gorlin syndrome. Last evaluated: 2019-11-27. Review status: criteria provided, single submitter. Criteria: Invitae Variant Classification Sherloc (09022015). Collection method: clinical testing. Allele origin: germline.
Comment: In summary, the available evidence is currently insufficient to determine the role of this variant in disease. Therefore, it has been classified as a Variant of Uncertain Significance. Algorithms developed to predict the effect of sequence changes on RNA splicing suggest that this variant may disrupt the consensus splice site, but this prediction has not been confirmed by published transcriptional studies. Algorithms developed to predict the effect of missense changes on protein structure and function (SIFT, PolyPhen-2, Align-GVGD) all suggest that this variant is likely to be tolerated, but these predictions have not been confirmed by published functional studies and their clinical significance is uncertain. This variant has not been reported in the literature in individuals with PTCH1-related conditions. This variant is not present in population databases (ExAC no frequency). This sequence change replaces lysine with threonine at codon 67 of the PTCH1 protein (p.Lys67Thr). The lysine residue is moderately conserved and there is a moderate physicochemical difference between lysine and threonine.

NM_000264.5(PTCH1):c.200A>C (p.Lys67Thr)

Gene: PTCH1 (patched 1; minus strand). Cytogenetic location: 9q22.32.
Variant type: single nucleotide variant.
Coding change: c.200A>C on transcript NM_000264.5 (MANE Select); coding-DNA position 200, A replaced by C.
Protein change: p.Lys67Thr; replaces lysine 67 with threonine.
Molecular consequence: missense variant. On other transcripts: non-coding transcript variant (1), intron variant (3).
Genome position (GRCh38, 1-based): chr9:95,508,162, T>G on the plus strand (A>C on the coding strand, the complement: PTCH1 is on the minus strand). VCF-style: chr9-95508162-T-G. GRCh37 (hg19) VCF-style: chr9-98270444-T-G.
Other names: c.200A>C, p.Lys67Thr (NM_001354918.2); c.199-1563A>C (NM_001083603.3); c.4-1563A>C (NM_001083602.3, NM_001354919.2); short protein forms K67T.
Identifiers: ClinVar variation 846366 (VCV000846366.11), dbSNP rs1843883983, ClinGen allele CA374121241.